The following is an entry in ClinVar:

ClinVar aggregate classification (germline): Uncertain significance (1 of 4 stars; one submission).

Conditions:
Autoimmune lymphoproliferative syndrome, type III caused by mutation in PRKCD. Identifiers: Orphanet 3261, Orphanet 664711, MedGen C3809928, MONDO:8000024, OMIM 615559.

Allele frequency attached by ClinVar (database versions not stated): gnomAD exomes 0.00001; ExAC 0.00002.
gnomAD v4.1: 22 of 1,614,212 alleles (0.0014%); highest among the groups gnomAD compares: Middle Eastern, 0.016%; no homozygotes.

Submission:

Labcorp Genetics (formerly Invitae), Labcorp
Classification: Uncertain significance for Autoimmune lymphoproliferative syndrome, type III caused by mutation in PRKCD. Last evaluated: 2024-12-12. Review status: criteria provided, single submitter. Criteria: Invitae Variant Classification Sherloc (09022015). Collection method: clinical testing. Allele origin: germline.
Comment: This sequence change replaces threonine, which is neutral and polar, with methionine, which is neutral and non-polar, at codon 141 of the PRKCD protein (p.Thr141Met). This variant is present in population databases (rs782258819, gnomAD 0.003%). This variant has not been reported in the literature in individuals affected with PRKCD-related conditions. ClinVar contains an entry for this variant (Variation ID: 2041024). An algorithm developed to predict the effect of missense changes on protein structure and function (PolyPhen-2) suggests that this variant is likely to be disruptive. In summary, the available evidence is currently insufficient to determine the role of this variant in disease. Therefore, it has been classified as a Variant of Uncertain Significance.

NM_006254.4(PRKCD):c.422C>T (p.Thr141Met)

Gene: PRKCD (protein kinase C delta; plus strand). Cytogenetic location: 3p21.1.
Variant type: single nucleotide variant.
Coding change: c.422C>T on transcript NM_006254.4 (MANE Select); coding-DNA position 422, C replaced by T.
Protein change: p.Thr141Met; replaces threonine 141 with methionine.
Molecular consequence: missense variant.
Genome position (GRCh38, 1-based): chr3:53,181,489, C>T. VCF-style: chr3-53181489-C-T. GRCh37 (hg19) VCF-style: chr3-53215505-C-T.
Other names: c.422C>T, p.Thr141Met (NM_001316327.2, NM_001354679.2, NM_001354680.2 and 1 more transcripts); c.479C>T, p.Thr160Met (NM_001354676.2); c.470C>T, p.Thr157Met (NM_001354678.2); short protein forms T157M, T160M, T141M.
Identifiers: ClinVar variation 2041024 (VCV002041024.3), dbSNP rs782258819, ClinGen allele CA2451794.